The following is an entry in ClinVar:

ClinVar aggregate classification (germline): Benign/Likely benign. Review status: criteria provided, multiple submitters, no conflicts (2 of 4 stars). 5 submissions from 5 submitters: Benign (1); Likely benign (4). Last evaluated 2026-08-03.

Conditions:
Familial colorectal cancer type X. Identifiers: Orphanet 440437, MedGen C3896578, MONDO:0018604.

Allele frequency attached by ClinVar (database versions not stated): TOPMed below 0.00001; ExAC 0.00001; gnomAD exomes below 0.00001.
gnomAD v4.1: 3 of 1,614,108 alleles (0.00019%); highest among the groups gnomAD compares: South Asian, 0.0022%; no homozygotes.

Submissions (5):

Myriad Genetics, Inc.
Classification: Benign for Familial colorectal cancer type X. Last evaluated: 2026-08-03. Review status: criteria provided, single submitter. Criteria: Myriad Autosomal Dominant, Autosomal Recessive and X-Linked Classification Criteria (2023). Collection method: clinical testing. Allele origin: unknown.
Comment: This variant is considered benign. This variant is a silent/synonymous amino acid change and it is not expected to impact splicing.

Blueprint Genetics
Classification: Likely benign. Last evaluated: 2023-06-02. Review status: criteria provided, single submitter. Criteria: ACMG Guidelines, 2015. Collection method: clinical testing. Allele origin: germline.

Labcorp Genetics (formerly Invitae), Labcorp
Classification: Likely benign. Last evaluated: 2022-11-14. Review status: criteria provided, single submitter. Criteria: Invitae Variant Classification Sherloc (09022015). Collection method: clinical testing. Allele origin: germline.

Ambry Genetics
Classification: Likely benign. Last evaluated: 2022-05-04. Review status: criteria provided, single submitter. Criteria: Ambry Variant Classification Scheme 2023. Collection method: clinical testing. Allele origin: germline.

Breakthrough Genomics
Classification: Likely benign. Review status: criteria provided, single submitter. Criteria: ACMG Guidelines, 2015. Collection method: not provided. Allele origin: germline. Inheritance: Unknown mechanism. Affected: yes.

NM_001023.4(RPS20):c.138G>A (p.Lys46=)

Gene: RPS20 (ribosomal protein S20; minus strand). Cytogenetic location: 8q12.1.
Variant type: single nucleotide variant.
Coding change: c.138G>A on transcript NM_001023.4 (MANE Select); coding-DNA position 138, G replaced by A.
Protein change: p.Lys46=; no amino-acid change (lysine 46 retained).
Molecular consequence: synonymous variant.
Genome position (GRCh38, 1-based): chr8:56,073,734, C>T on the plus strand (G>A on the coding strand, the complement: RPS20 is on the minus strand). VCF-style: chr8-56073734-C-T. GRCh37 (hg19) VCF-style: chr8-56986293-C-T.
Other names: c.138G>A, p.Lys46= (NM_001146227.3).
Identifiers: ClinVar variation 1597738 (VCV001597738.13), dbSNP rs774811945, ClinGen allele CA4754372.